The following is an entry in ClinVar:

NM_005045.4(RELN):c.3137G>A (p.Gly1046Asp)

Gene: RELN (reelin; minus strand). Cytogenetic location: 7q22.1.
Variant type: single nucleotide variant.
Coding change: c.3137G>A on transcript NM_005045.4 (MANE Select); coding-DNA position 3137, G replaced by A.
Protein change: p.Gly1046Asp; replaces glycine 1046 with aspartic acid.
Molecular consequence: missense variant.
Genome position (GRCh38, 1-based): chr7:103,604,355, C>T on the plus strand (G>A on the coding strand, the complement: RELN is on the minus strand). VCF-style: chr7-103604355-C-T. GRCh37 (hg19) VCF-style: chr7-103244802-C-T.
Other names: c.3137G>A, p.Gly1046Asp (NM_173054.3); short protein forms G1046D.
Identifiers: ClinVar variation 3750078 (VCV003750078.2).

ClinVar aggregate classification (germline): Uncertain significance (1 of 4 stars; one submission).

Conditions:
Familial temporal lobe epilepsy 7. Identifiers: Orphanet 101046, MedGen C4225327, MONDO:0014639, OMIM 616436.
Norman-Roberts syndrome (LIS2). Also called: Lissencephaly 2 (Norman-Roberts type). Identifiers: Orphanet 89844, MedGen C0796089, MONDO:0009760, OMIM 257320.

gnomAD v4.1: 6 of 1,613,654 alleles (0.00037%); highest among the groups gnomAD compares: East Asian, 0.0022%; no homozygotes.

Submission:

Labcorp Genetics (formerly Invitae), Labcorp
Classification: Uncertain significance for Familial temporal lobe epilepsy 7; Norman-Roberts syndrome. Last evaluated: 2025-04-08. Review status: criteria provided, single submitter. Criteria: Invitae Variant Classification Sherloc (09022015). Collection method: clinical testing. Allele origin: germline.
Comment: This sequence change replaces glycine, which is neutral and non-polar, with aspartic acid, which is acidic and polar, at codon 1046 of the RELN protein (p.Gly1046Asp). This variant is present in population databases (rs745685865, gnomAD 0.003%). This variant has not been reported in the literature in individuals affected with RELN-related conditions. ClinVar contains an entry for this variant (Variation ID: 3750078). Invitae Evidence Modeling of protein sequence and biophysical properties (such as structural, functional, and spatial information, amino acid conservation, physicochemical variation, residue mobility, and thermodynamic stability) has been performed for this missense variant. However, the output from this modeling did not meet the statistical confidence thresholds required to predict the impact of this variant on RELN protein function. In summary, the available evidence is currently insufficient to determine the role of this variant in disease. Therefore, it has been classified as a Variant of Uncertain Significance.